The following is an entry in ClinVar:

NM_001365276.2(TNXB):c.9259T>C (p.Phe3087Leu)

Gene: TNXB (tenascin XB; minus strand). Cytogenetic location: 6p21.33.
Variant type: single nucleotide variant.
Coding change: c.9259T>C on transcript NM_001365276.2 (MANE Select); coding-DNA position 9259, T replaced by C.
Protein change: p.Phe3087Leu; replaces phenylalanine 3087 with leucine.
Molecular consequence: missense variant.
Genome position (GRCh38, 1-based): chr6:32,050,178, A>G on the plus strand (T>C on the coding strand, the complement: TNXB is on the minus strand). VCF-style: chr6-32050178-A-G. GRCh37 (hg19) VCF-style: chr6-32017955-A-G.
Other names: c.9253T>C, p.Phe3085Leu (NM_019105.8); short protein forms F3085L, F3087L.
Identifiers: ClinVar variation 1766340 (VCV001766340.3), dbSNP rs778087396, ClinGen allele CA3733582.

ClinVar aggregate classification (germline): Uncertain significance (1 of 4 stars; one submission).

Conditions:
Cardiovascular phenotype. Identifiers: MedGen CN230736.

Allele frequency attached by ClinVar (database versions not stated): TOPMed below 0.00001; ExAC 0.00001; gnomAD exomes 0.00004.

Submission:

Ambry Genetics
Classification: Uncertain significance for Cardiovascular phenotype. Last evaluated: 2025-05-03. Review status: criteria provided, single submitter. Criteria: Ambry Variant Classification Scheme 2023. Collection method: clinical testing. Allele origin: germline.
Comment: The p.F3085L variant (also known as c.9253T>C), located in coding exon 26 of the TNXB gene, results from a T to C substitution at nucleotide position 9253. The phenylalanine at codon 3085 is replaced by leucine, an amino acid with highly similar properties. This amino acid position is conserved. In addition, this alteration is predicted to be tolerated by in silico analysis. Since supporting evidence is limited at this time, the clinical significance of this alteration remains unclear.